The following is an entry in ClinVar:

ClinVar aggregate classification (germline): Uncertain significance (1 of 4 stars; one submission).

Conditions:
Autosomal recessive limb-girdle muscular dystrophy type 2Y (MRRSDC). Also called: Muscular dystrophy, autosomal recessive, with rigid spine and distal joint contractures; Muscular dystrophy, limb-girdle, type 2y. Identifiers: Orphanet 424261, MedGen C4511482, MONDO:0014900, OMIM 617072.

Submission:

Labcorp Genetics (formerly Invitae), Labcorp
Classification: Uncertain significance for Autosomal recessive limb-girdle muscular dystrophy type 2Y. Last evaluated: 2021-09-01. Review status: criteria provided, single submitter. Criteria: Invitae Variant Classification Sherloc (09022015). Collection method: clinical testing. Allele origin: germline.
Comment: This sequence change replaces alanine with glycine at codon 183 of the TOR1AIP1 protein (p.Ala183Gly). The alanine residue is weakly conserved and there is a small physicochemical difference between alanine and glycine. This variant is not present in population databases (ExAC no frequency). This variant has not been reported in the literature in individuals affected with TOR1AIP1-related conditions. Algorithms developed to predict the effect of missense changes on protein structure and function (SIFT, PolyPhen-2, Align-GVGD) all suggest that this variant is likely to be tolerated. In summary, the available evidence is currently insufficient to determine the role of this variant in disease. Therefore, it has been classified as a Variant of Uncertain Significance.

NM_015602.4(TOR1AIP1):c.548C>G (p.Ala183Gly)

Gene: TOR1AIP1 (torsin 1A interacting protein 1; plus strand). Cytogenetic location: 1q25.2.
Variant type: single nucleotide variant.
Coding change: c.548C>G on transcript NM_015602.4 (MANE Select); coding-DNA position 548, C replaced by G.
Protein change: p.Ala183Gly; replaces alanine 183 with glycine.
Molecular consequence: missense variant.
Genome position (GRCh38, 1-based): chr1:179,884,764, C>G. VCF-style: chr1-179884764-C-G. GRCh37 (hg19) VCF-style: chr1-179853899-C-G.
Other names: c.548C>G, p.Ala183Gly (NM_001267578.2); short protein forms A183G.
Identifiers: ClinVar variation 952831 (VCV000952831.4), dbSNP rs1647864922, ClinGen allele CA343579464.
Genomic context (GRCh38, chr1:179,884,764, plus strand): 5'-CTTCCCAAACTGATTTAAGCCAAACGATCTCAAAGAAAACTGTCAGGAGCATACAAGAGG[C>G]TCCAGGTAAGAATAGTTAACTTTTTGTTTTTCTCCTTACCTACCAACTTTTTAAATGTTC-3'
Protein context (NP_056417.2, residues 173-193): SKKTVRSIQE[Ala183Gly]PVSEDLVIRL